The following is an entry in ClinVar:

ClinVar aggregate classification (germline): Uncertain significance (1 of 4 stars; one submission).

Submission:

GeneDx
Classification: Uncertain significance. Last evaluated: 2022-04-06. Review status: criteria provided, single submitter. Criteria: GeneDx Variant Classification Process June 2021. Collection method: clinical testing. Allele origin: germline. Affected: yes.
Comment: Not observed at significant frequency in large population cohorts (gnomAD); In silico analysis supports that this missense variant has a deleterious effect on protein structure/function; Has not been previously published as pathogenic or benign to our knowledge

NM_015662.3(IFT172):c.2719G>C (p.Asp907His)

Genes: IFT172 (intraflagellar transport 172; minus strand), LOC126806174 (CDK7 strongly-dependent group 2 enhancer GRCh37_chr2:27681686-27682885; plus strand). Cytogenetic location: 2p23.3.
Variant type: single nucleotide variant.
Coding change: c.2719G>C on transcript NM_015662.3 (MANE Select); coding-DNA position 2719, G replaced by C.
Protein change: p.Asp907His; replaces aspartic acid 907 with histidine.
Molecular consequence: missense variant.
Genome position (GRCh38, 1-based): chr2:27,459,446, C>G on the plus strand (G>C on the coding strand, the complement: IFT172 is on the minus strand). VCF-style: chr2-27459446-C-G. GRCh37 (hg19) VCF-style: chr2-27682313-C-G.
Other names: c.2653G>C, p.Asp885His (NM_001410739.1); short protein forms D885H, D907H.
Identifiers: ClinVar variation 1708687 (VCV001708687.2), dbSNP rs2465864659, ClinGen allele CA346382284.